The following is an entry in ClinVar:

ClinVar aggregate classification (germline): Uncertain significance (1 of 4 stars; one submission).

Conditions:
Catecholaminergic polymorphic ventricular tachycardia 1. Also called: VENTRICULAR TACHYCARDIA, CATECHOLAMINERGIC POLYMORPHIC, 1, WITH OR WITHOUT ATRIAL DYSFUNCTION AND/OR DILATED CARDIOMYOPATHY; VENTRICULAR TACHYCARDIA, STRESS-INDUCED POLYMORPHIC 1; RYR2-Related Catecholaminergic Polymorphic Ventricular Tachycardia. Identifiers: Orphanet 3286, MedGen C1631597, MONDO:0011484, OMIM 604772.

Submission:

Labcorp Genetics (formerly Invitae), Labcorp
Classification: Uncertain significance for Catecholaminergic polymorphic ventricular tachycardia 1. Last evaluated: 2024-01-28. Review status: criteria provided, single submitter. Criteria: Invitae Variant Classification Sherloc (09022015). Collection method: clinical testing. Allele origin: germline.
Comment: This sequence change replaces aspartic acid, which is acidic and polar, with asparagine, which is neutral and polar, at codon 1338 of the RYR2 protein (p.Asp1338Asn). This variant is not present in population databases (gnomAD no frequency). This variant has not been reported in the literature in individuals affected with RYR2-related conditions. Advanced modeling of protein sequence and biophysical properties (such as structural, functional, and spatial information, amino acid conservation, physicochemical variation, residue mobility, and thermodynamic stability) performed at Invitae indicates that this missense variant is not expected to disrupt RYR2 protein function with a negative predictive value of 95%. In summary, the available evidence is currently insufficient to determine the role of this variant in disease. Therefore, it has been classified as a Variant of Uncertain Significance.

NM_001035.3(RYR2):c.4012G>A (p.Asp1338Asn)

Genes: RYR2 (ryanodine receptor 2; plus strand), LOC126806067 (BRD4-independent group 4 enhancer GRCh37_chr1:237753258-237754457; plus strand). Cytogenetic location: 1q43.
Variant type: single nucleotide variant.
Coding change: c.4012G>A on transcript NM_001035.3 (MANE Select); coding-DNA position 4012, G replaced by A.
Protein change: p.Asp1338Asn; replaces aspartic acid 1338 with asparagine.
Molecular consequence: missense variant.
Genome position (GRCh38, 1-based): chr1:237,590,844, G>A. VCF-style: chr1-237590844-G-A. GRCh37 (hg19) VCF-style: chr1-237754144-G-A.
Other names: short protein forms D1338N.
Identifiers: ClinVar variation 2704141 (VCV002704141.3), dbSNP rs2546615781, ClinGen allele CA345397547.
Genomic context (GRCh38, chr1:237,590,844, plus strand): 5'-GTGGCTGGAGGGCTCCCTGGGGCTGGCCTTTTTGGGCCCAAGAATGACTTGGAAGATTAT[G>A]ATGCTGATTCTGACTTTGAGGTTCTGATGAAGACAGCTCATGGCCATCTAGTGCCCGATC-3'
Protein context (NP_001026.2, residues 1328-1348): FGPKNDLEDY[Asp1338Asn]ADSDFEVLMK